The following is an entry in ClinVar:

NM_007192.4(SUPT16H):c.839A>G (p.Lys280Arg)

Gene: SUPT16H (SPT16 homolog, facilitates chromatin remodeling subunit; minus strand). Cytogenetic location: 14q11.2.
Variant type: single nucleotide variant.
Coding change: c.839A>G on transcript NM_007192.4 (MANE Select); coding-DNA position 839, A replaced by G.
Protein change: p.Lys280Arg; replaces lysine 280 with arginine.
Molecular consequence: missense variant.
Genome position (GRCh38, 1-based): chr14:21,368,385, T>C on the plus strand (A>G on the coding strand, the complement: SUPT16H is on the minus strand). VCF-style: chr14-21368385-T-C. GRCh37 (hg19) VCF-style: chr14-21836544-T-C.
Other names: short protein forms K280R.
Identifiers: ClinVar variation 4070652 (VCV004070652.1).
Genomic context (GRCh38, chr14:21,368,385, plus strand): 5'-TCTTGAACTTCTTGAGAAGGATCAACCATCAAAGTGCGAACAAGGTTGGAGCAGTAAGAC[T>C]TGAAGCGAATACCCATGGCACAAGTGATAGCCCCAAAGTGCATATGATTCTTGTCACTAG-3'
Protein context (NP_009123.1, residues 270-290): AITCAMGIRF[Lys280Arg]SYCSNLVRTL

ClinVar aggregate classification (germline): Uncertain significance (1 of 4 stars; one submission).

gnomAD v4.1: 1 of 1,614,080 alleles (0.000062%); highest among the groups gnomAD compares: Non-Finnish European, 0.000085%; no homozygotes.

Submission:

GeneDx
Classification: Uncertain significance. Last evaluated: 2025-01-06. Review status: criteria provided, single submitter. Criteria: GeneDx Variant Classification Process June 2021. Collection method: clinical testing. Allele origin: germline. Affected: yes.
Comment: Not observed at significant frequency in large population cohorts (gnomAD); In silico analysis indicates that this missense variant does not alter protein structure/function; Has not been previously published as pathogenic or benign to our knowledge